The following is an entry in ClinVar:

NM_024675.4(PALB2):c.2888del (p.Ser963fs)

Gene: PALB2 (partner and localizer of BRCA2; minus strand). Cytogenetic location: 16p12.2.
Variant type: Deletion.
Coding change: c.2888del on transcript NM_024675.4 (MANE Select); coding-DNA position 2888, one base deleted (C; older notation c.2888delC).
Protein change: p.Ser963fs; shifts the reading frame from serine 963.
Molecular consequence: frameshift variant.
Genome position (GRCh38, 1-based): chr16:23,623,077, G deleted on the plus strand (C on the coding strand, the reverse complement: PALB2 is on the minus strand). VCF-style (leftmost placement, unchanged base first): chr16-23623076-AG-A. GRCh37 (hg19) VCF-style: chr16-23634397-AG-A.
Other names: c.2888delC (NM_024675.3).
Identifiers: ClinVar variation 143969 (VCV000143969.17), dbSNP rs587776420, ClinGen allele CA294561.

ClinVar aggregate classification (germline): Pathogenic. Review status: criteria provided, multiple submitters, no conflicts (2 of 4 stars). 5 submissions from 5 submitters: Pathogenic (3). 2 of the submissions do not count toward it. Last evaluated 2026-08-04.

Conditions:
Hereditary cancer-predisposing syndrome. Also called: Neoplastic Syndromes, Hereditary; Hereditary Cancer Syndrome; Tumor predisposition; Hereditary neoplastic syndrome. Identifiers: Orphanet 140162, MedGen C0027672, MeSH D009386, MONDO:0015356.
Familial cancer of breast. Also called: Hereditary breast cancer; BREAST CANCER, FAMILIAL; hereditary breast carcinoma. Identifiers: Orphanet 227535, MedGen C0346153, MONDO:0016419, OMIM 114480. Disease mechanism: loss of function.

Allele frequency attached by ClinVar (database versions not stated): gnomAD exomes below 0.00001; gnomAD 0.00001; TOPMed below 0.00001; ExAC 0.00001.

Submissions (5):

Ambry Genetics
Classification: Pathogenic for Hereditary cancer-predisposing syndrome. Last evaluated: 2026-08-04. Review status: criteria provided, single submitter. Criteria: Ambry Variant Classification Scheme 2023. Collection method: clinical testing. Allele origin: germline.
Comment: The c.2888delC (p.S963Lfs*4) alteration, located in exon 9 (coding exon 9) of the PALB2 gene, consists of a deletion of one nucleotide at position 2888, causing a translational frameshift with a predicted alternate stop codon after 4 amino acids. This variant is expected to result in loss of function by premature protein truncation or nonsense-mediated mRNA decay. Based on data from gnomAD, this allele has an overall frequency of <0.001% (1/251446) total alleles studied. The highest observed frequency was 0.006% (1/16254) of African alleles. This mutation has been observed in a familial breast cancer family (Antoniou, 2014). Based on the available evidence, this alteration is classified as pathogenic.

Myriad Genetics, Inc.
Classification: Pathogenic for Familial cancer of breast. Last evaluated: 2023-09-14. Review status: criteria provided, single submitter. Criteria: Myriad Autosomal Dominant, Autosomal Recessive and X-Linked Classification Criteria (2023). Collection method: clinical testing. Allele origin: unknown.
Comment: This variant is considered pathogenic. This variant creates a frameshift predicted to result in premature protein truncation.

Labcorp Genetics (formerly Invitae), Labcorp
Classification: Pathogenic for Familial cancer of breast. Last evaluated: 2023-05-31. Review status: criteria provided, single submitter. Criteria: Invitae Variant Classification Sherloc (09022015). Collection method: clinical testing. Allele origin: germline.
Comment: This sequence change creates a premature translational stop signal (p.Ser963Leufs*4) in the PALB2 gene. It is expected to result in an absent or disrupted protein product. Loss-of-function variants in PALB2 are known to be pathogenic (PMID: 17200668, 17200671, 17200672, 24136930, 25099575). For these reasons, this variant has been classified as Pathogenic. ClinVar contains an entry for this variant (Variation ID: 143969). This premature translational stop signal has been observed in individual(s) with breast cancer (PMID: 25099575). This variant is present in population databases (rs587776420, gnomAD 0.007%).

Leiden Open Variation Database
Classification: Pathogenic for Familial cancer of breast. Last evaluated: 2019-05-13. Review status: no assertion criteria provided. Collection method: curation. Allele origin: germline. Affected: yes. Not counted in ClinVar's aggregate classification.
Comment: Curators: Marc Tischkowitz, Arleen D. Auerbach. Submitter to LOVD: Marc Tischkowitz.

SNPedia
Classification: Pathogenic. Review status: no assertion criteria provided. Collection method: not provided. Allele origin: germline. Not counted in ClinVar's aggregate classification.
ClinVar note: Converted during submission from pathogenic to Pathogenic.

Literature cited by the submitters: PubMed 25099575 (cited by 3 submitters); PubMed 17200668 (cited by Labcorp Genetics (formerly Invitae), Labcorp); PubMed 17200671 (cited by Labcorp Genetics (formerly Invitae), Labcorp); PubMed 17200672 (cited by Labcorp Genetics (formerly Invitae), Labcorp); PubMed 24136930 (cited by Labcorp Genetics (formerly Invitae), Labcorp).